The following is an entry in ClinVar:

NM_002890.3(RASA1):c.1611-2A>G

Genes: CCNH (cyclin H; minus strand), RASA1 (RAS p21 protein activator 1; plus strand). Cytogenetic location: 5q14.3.
Variant type: single nucleotide variant.
Coding change: c.1611-2A>G on transcript NM_002890.3 (MANE Select); the canonical splice acceptor site of the intron before coding-DNA position 1611, A replaced by G.
Molecular consequence: splice acceptor variant. On other transcripts: intron variant (1).
Genome position (GRCh38, 1-based): chr5:87,369,811, A>G. VCF-style: chr5-87369811-A-G. GRCh37 (hg19) VCF-style: chr5-86665628-A-G.
Other names: c.1080-2A>G (NM_022650.3); c.933+25233T>C (NM_001364075.2).
Identifiers: ClinVar variation 2630571 (VCV002630571.1), dbSNP rs2531324128, ClinGen allele CA360371507.

ClinVar aggregate classification (germline): Likely pathogenic (1 of 4 stars; one submission).

Conditions:
RASA1-related disorder. Also called: RASA1-related condition.

Submission:

PreventionGenetics, part of Exact Sciences
Classification: Likely pathogenic for RASA1-related condition. Last evaluated: 2023-02-03. Review status: criteria provided, single submitter. Criteria: ACMG Guidelines, 2015. Collection method: clinical testing. Allele origin: germline.
Comment: The RASA1 c.1611-2A>G variant is predicted to disrupt the AG splice acceptor site and interfere with normal splicing. To our knowledge, this variant has not been reported in the literature or in a large population database, indicating this variant is rare. Variants that disrupt the consensus splice acceptor site in RASA1 are expected to be pathogenic. This variant is interpreted as likely pathogenic.